The following is an entry in ClinVar:

NM_024537.4(CARS2):c.1463A>G (p.Asp488Gly)

Gene: CARS2 (cysteinyl-tRNA synthetase 2, mitochondrial; minus strand). Cytogenetic location: 13q34.
Variant type: single nucleotide variant.
Coding change: c.1463A>G on transcript NM_024537.4 (MANE Select); coding-DNA position 1463, A replaced by G.
Protein change: p.Asp488Gly; replaces aspartic acid 488 with glycine.
Molecular consequence: missense variant. On other transcripts: non-coding transcript variant (2).
Genome position (GRCh38, 1-based): chr13:110,642,475, T>C on the plus strand (A>G on the coding strand, the complement: CARS2 is on the minus strand). VCF-style: chr13-110642475-T-C. GRCh37 (hg19) VCF-style: chr13-111294822-T-C.
Other names: c.677A>G, p.Asp226Gly (NM_001352252.2); short protein forms D488G, D226G.
Identifiers: ClinVar variation 953476 (VCV000953476.7), dbSNP rs1484021017, ClinGen allele CA388740505.
Genomic context (GRCh38, chr13:110,642,475, plus strand): 5'-GTGGCCTCGGGCATGGCCAGCGCAAACTGCCGGACCTTCTGCCGGAACCGCACCAGCTCG[T>C]CCACCACACCATGCAAGGTAGCCTCGCTGCCGTCTCCTGAAACGTACTGAAGCCAGCAGG-3'
Protein context (NP_078813.1, residues 478-498): GSEATLHGVV[Asp488Gly]ELVRFRQKVR

ClinVar aggregate classification (germline): Uncertain significance (1 of 4 stars; one submission).

Conditions:
Combined oxidative phosphorylation defect type 27. Also called: Combined oxidative phosphorylation deficiency 27. Identifiers: Orphanet 477774, MedGen C5567608, MONDO:0014728, OMIM 616672.

Allele frequency attached by ClinVar (database versions not stated): gnomAD exomes below 0.00001; gnomAD 0.00001.

Submission:

Labcorp Genetics (formerly Invitae), Labcorp
Classification: Uncertain significance for Combined oxidative phosphorylation defect type 27. Last evaluated: 2019-07-21. Review status: criteria provided, single submitter. Criteria: Invitae Variant Classification Sherloc (09022015). Collection method: clinical testing. Allele origin: germline.
Comment: In summary, the available evidence is currently insufficient to determine the role of this variant in disease. Therefore, it has been classified as a Variant of Uncertain Significance. Algorithms developed to predict the effect of missense changes on protein structure and function are either unavailable or do not agree on the potential impact of this missense change (SIFT: "Tolerated"; PolyPhen-2: "Possibly Damaging"; Align-GVGD: "Class C0"). This variant has not been reported in the literature in individuals with CARS2-related conditions. This variant is not present in population databases (ExAC no frequency). This sequence change replaces aspartic acid with glycine at codon 488 of the CARS2 protein (p.Asp488Gly). The aspartic acid residue is weakly conserved and there is a moderate physicochemical difference between aspartic acid and glycine.